The following is an entry in ClinVar:

ClinVar aggregate classification (germline): Uncertain significance (1 of 4 stars; one submission).

Submission:

Labcorp Genetics (formerly Invitae), Labcorp
Classification: Uncertain significance. Last evaluated: 2022-08-31. Review status: criteria provided, single submitter. Criteria: Invitae Variant Classification Sherloc (09022015). Collection method: clinical testing. Allele origin: germline.
Comment: In summary, the available evidence is currently insufficient to determine the role of this variant in disease. Therefore, it has been classified as a Variant of Uncertain Significance. Algorithms developed to predict the effect of missense changes on protein structure and function (SIFT, PolyPhen-2, Align-GVGD) all suggest that this variant is likely to be disruptive. This variant has not been reported in the literature in individuals affected with KARS-related conditions. This variant is not present in population databases (gnomAD no frequency). This sequence change replaces leucine, which is neutral and non-polar, with serine, which is neutral and polar, at codon 357 of the KARS protein (p.Leu357Ser).

NM_005548.3(KARS1):c.986T>C (p.Leu329Ser)

Gene: KARS1 (lysyl-tRNA synthetase 1; minus strand). Cytogenetic location: 16q23.1.
Variant type: single nucleotide variant.
Coding change: c.986T>C on transcript NM_005548.3 (MANE Select); coding-DNA position 986, T replaced by C.
Protein change: p.Leu329Ser; replaces leucine 329 with serine.
Molecular consequence: missense variant.
Genome position (GRCh38, 1-based): chr16:75,631,785, A>G on the plus strand (T>C on the coding strand, the complement: KARS1 is on the minus strand). VCF-style: chr16-75631785-A-G. GRCh37 (hg19) VCF-style: chr16-75665683-A-G.
Other names: c.1070T>C, p.Leu357Ser (NM_001130089.2); c.518T>C, p.Leu173Ser (NM_001378148.1); short protein forms L329S, L173S, L357S.
Identifiers: ClinVar variation 2091346 (VCV002091346.4), dbSNP rs1198556147, ClinGen allele CA396812181.